The following is an entry in ClinVar:

ClinVar aggregate classification (germline): Uncertain significance (1 of 4 stars; one submission).

Conditions:
Luscan-Lumish syndrome. Identifiers: Orphanet 597738, MedGen C4085873, MONDO:0014791, OMIM 616831.

Allele frequency attached by ClinVar (database versions not stated): gnomAD exomes below 0.00001; TOPMed 0.00002; gnomAD 0.00001.
gnomAD v4.1: 6 of 1,551,650 alleles (0.00039%); highest among the groups gnomAD compares: East Asian, 0.015%; no homozygotes.

Submission:

Baylor Genetics
Classification: Uncertain significance for Luscan-Lumish syndrome. Last evaluated: 2020-06-03. Review status: criteria provided, single submitter. Criteria: ACMG Guidelines, 2015. Collection method: clinical testing. Allele origin: unknown. Affected: yes.
Comment: This variant was determined to be of uncertain significance according to ACMG Guidelines, 2015 [PMID:25741868].

NM_014159.7(SETD2):c.1333C>T (p.Arg445Cys)

Gene: SETD2 (SET domain containing 2, histone lysine methyltransferase; minus strand). Cytogenetic location: 3p21.31.
Variant type: single nucleotide variant.
Coding change: c.1333C>T on transcript NM_014159.7 (MANE Select); coding-DNA position 1333, C replaced by T.
Protein change: p.Arg445Cys; replaces arginine 445 with cysteine.
Molecular consequence: missense variant. On other transcripts: non-coding transcript variant (1).
Genome position (GRCh38, 1-based): chr3:47,123,303, G>A on the plus strand (C>T on the coding strand, the complement: SETD2 is on the minus strand). VCF-style: chr3-47123303-G-A. GRCh37 (hg19) VCF-style: chr3-47164793-G-A.
Other names: c.1201C>T, p.Arg401Cys (NM_001349370.3); short protein forms R445C, R401C.
Identifiers: ClinVar variation 1027828 (VCV001027828.1), dbSNP rs1306620044, ClinGen allele CA352531155.